The following is an entry in ClinVar:

NM_014915.3(ANKRD26):c.1927G>T (p.Gly643Cys)

Gene: ANKRD26 (ankyrin repeat domain 26; minus strand). Cytogenetic location: 10p12.1.
Variant type: single nucleotide variant.
Coding change: c.1927G>T on transcript NM_014915.3 (MANE Select); coding-DNA position 1927, G replaced by T.
Protein change: p.Gly643Cys; replaces glycine 643 with cysteine.
Molecular consequence: missense variant.
Genome position (GRCh38, 1-based): chr10:27,046,411, C>A on the plus strand (G>T on the coding strand, the complement: ANKRD26 is on the minus strand). VCF-style: chr10-27046411-C-A. GRCh37 (hg19) VCF-style: chr10-27335340-C-A.
Other names: c.1924G>T, p.Gly642Cys (NM_001256053.2); short protein forms G642C, G643C.
Identifiers: ClinVar variation 2580803 (VCV002580803.4), dbSNP rs1037968315, ClinGen allele CA204411132.
Genomic context (GRCh38, chr10:27,046,411, plus strand): 5'-ACCTTCCTTCATCCTCATCTATTTCACTTAAACTGCTGTCATCATCCACTTGTAGCAGGC[C>A]ACCAGTTAGTAAACTGGCCTTCCCAAACACTGGTGAATTCACAGATTCTTTCGAGGTCCG-3'
Protein context (NP_055730.2, residues 633-653): VFGKASLLTG[Gly643Cys]LLQVDDDSSL

ClinVar aggregate classification (germline): Uncertain significance. Review status: criteria provided, multiple submitters, no conflicts (2 of 4 stars). 3 submissions from 3 submitters: Uncertain significance (3). Last evaluated 2025-09-30.

Conditions:
Inborn genetic diseases. Identifiers: MedGen C0950123, MeSH D030342.

Allele frequency attached by ClinVar (database versions not stated): TOPMed 0.00002; gnomAD 0.00002; gnomAD exomes 0.00002.

Submissions (3):

Labcorp Genetics (formerly Invitae), Labcorp
Classification: Uncertain significance. Last evaluated: 2025-09-30. Review status: criteria provided, single submitter. Criteria: Invitae Variant Classification Sherloc (09022015). Collection method: clinical testing. Allele origin: germline.
Comment: This sequence change replaces glycine, which is neutral and non-polar, with cysteine, which is neutral and slightly polar, at codon 643 of the ANKRD26 protein (p.Gly643Cys). This variant is present in population databases (no rsID available, gnomAD 0.002%). This variant has not been reported in the literature in individuals affected with ANKRD26-related conditions. ClinVar contains an entry for this variant (Variation ID: 2580803). An algorithm developed to predict the effect of missense changes on protein structure and function (PolyPhen-2) suggests that this variant is likely to be disruptive. In summary, the available evidence is currently insufficient to determine the role of this variant in disease. Therefore, it has been classified as a Variant of Uncertain Significance.

Ambry Genetics
Classification: Uncertain significance for Inborn genetic diseases. Last evaluated: 2024-11-17. Review status: criteria provided, single submitter. Criteria: Ambry Variant Classification Scheme 2023. Collection method: clinical testing. Allele origin: germline.
Comment: The p.G643C variant (also known as c.1927G>T), located in coding exon 18 of the ANKRD26 gene, results from a G to T substitution at nucleotide position 1927. The glycine at codon 643 is replaced by cysteine, an amino acid with highly dissimilar properties. This amino acid position is conserved. In addition, this alteration is predicted to be tolerated by in silico analysis. Based on the available evidence, the clinical significance of this variant remains unclear.

GeneDx
Classification: Uncertain significance. Last evaluated: 2024-04-25. Review status: criteria provided, single submitter. Criteria: GeneDx Variant Classification Process June 2021. Collection method: clinical testing. Allele origin: germline.
Comment: Not observed at significant frequency in large population cohorts (gnomAD); In silico analysis supports that this missense variant has a deleterious effect on protein structure/function; Has not been previously published as pathogenic or benign to our knowledge